The following is an entry in ClinVar:

NM_001134363.3(RBM20):c.2676A>C (p.Glu892Asp)

Gene: RBM20 (RNA binding motif protein 20; plus strand). Cytogenetic location: 10q25.2.
Variant type: single nucleotide variant.
Coding change: c.2676A>C on transcript NM_001134363.3 (MANE Select); coding-DNA position 2676, A replaced by C.
Protein change: p.Glu892Asp; replaces glutamic acid 892 with aspartic acid.
Molecular consequence: missense variant.
Genome position (GRCh38, 1-based): chr10:110,821,295, A>C. VCF-style: chr10-110821295-A-C. GRCh37 (hg19) VCF-style: chr10-112581053-A-C.
Other names: short protein forms E892D.
Identifiers: ClinVar variation 1470417 (VCV001470417.6), dbSNP rs1447611071, ClinGen allele CA378377129.
Genomic context (GRCh38, chr10:110,821,295, plus strand): 5'-CTCAACCACCCTCTGACCTCCATTCTGCATTTTTGTACAGGAACAAGATTGGGAGAGTGA[A>C]AGTGAGGCAGAGGGGGAGAGCTGGTATCCCACTAACATGGAGGAGCTGGTGACAGTGGAC-3'
Protein context (NP_001127835.2, residues 882-902): RTKKEQDWES[Glu892Asp]SEAEGESWYP

ClinVar aggregate classification (germline): Uncertain significance (1 of 4 stars; one submission).

Conditions:
Dilated cardiomyopathy 1DD (CMD1DD). Identifiers: Orphanet 154, MedGen C2750995, MONDO:0013168, OMIM 613172.

Allele frequency attached by ClinVar (database versions not stated): gnomAD 0.00001.
gnomAD v4.1: 1 of 1,551,254 alleles (0.000064%); highest among the groups gnomAD compares: Non-Finnish European, 0.000087%; no homozygotes.

Submission:

Labcorp Genetics (formerly Invitae), Labcorp
Classification: Uncertain significance for Dilated cardiomyopathy 1DD. Last evaluated: 2025-09-27. Review status: criteria provided, single submitter. Criteria: Invitae Variant Classification Sherloc (09022015). Collection method: clinical testing. Allele origin: germline.
Comment: This sequence change replaces glutamic acid, which is acidic and polar, with aspartic acid, which is acidic and polar, at codon 892 of the RBM20 protein (p.Glu892Asp). The frequency data for this variant in the population databases is considered unreliable, as metrics indicate poor data quality at this position in the gnomAD database. This variant has not been reported in the literature in individuals affected with RBM20-related conditions. ClinVar contains an entry for this variant (Variation ID: 1470417). Invitae Evidence Modeling of protein sequence and biophysical properties (such as structural, functional, and spatial information, amino acid conservation, physicochemical variation, residue mobility, and thermodynamic stability) indicates that this missense variant is not expected to disrupt RBM20 protein function with a negative predictive value of 95%. In summary, the available evidence is currently insufficient to determine the role of this variant in disease. Therefore, it has been classified as a Variant of Uncertain Significance.